The following is an entry in ClinVar:

ClinVar aggregate classification (germline): Uncertain significance (1 of 4 stars; one submission).

Conditions:
Vici syndrome (VICIS). Identifiers: Orphanet 1493, MedGen C1855772, MONDO:0009452, OMIM 242840.

Allele frequency attached by ClinVar (database versions not stated): gnomAD exomes below 0.00001; ExAC 0.00001.
gnomAD v4.1: 1 of 1,612,618 alleles (0.000062%); highest among the groups gnomAD compares: Admixed American, 0.0017%; no homozygotes.

Submission:

Labcorp Genetics (formerly Invitae), Labcorp
Classification: Uncertain significance for Vici syndrome. Last evaluated: 2023-06-29. Review status: criteria provided, single submitter. Criteria: Invitae Variant Classification Sherloc (09022015). Collection method: clinical testing. Allele origin: germline.
Comment: In summary, the available evidence is currently insufficient to determine the role of this variant in disease. Therefore, it has been classified as a Variant of Uncertain Significance. Advanced modeling of protein sequence and biophysical properties (such as structural, functional, and spatial information, amino acid conservation, physicochemical variation, residue mobility, and thermodynamic stability) performed at Invitae indicates that this missense variant is expected to disrupt EPG5 protein function. ClinVar contains an entry for this variant (Variation ID: 1391473). This variant has not been reported in the literature in individuals affected with EPG5-related conditions. This variant is present in population databases (rs781321117, gnomAD 0.003%). This sequence change replaces leucine, which is neutral and non-polar, with valine, which is neutral and non-polar, at codon 1189 of the EPG5 protein (p.Leu1189Val).

NM_020964.3(EPG5):c.3565C>G (p.Leu1189Val)

Gene: EPG5 (ectopic P-granules 5 autophagy tethering factor; minus strand). Cytogenetic location: 18q21.1.
Variant type: single nucleotide variant.
Coding change: c.3565C>G on transcript NM_020964.3 (MANE Select); coding-DNA position 3565, C replaced by G.
Protein change: p.Leu1189Val; replaces leucine 1189 with valine.
Molecular consequence: missense variant.
Genome position (GRCh38, 1-based): chr18:45,916,026, G>C on the plus strand (C>G on the coding strand, the complement: EPG5 is on the minus strand). VCF-style: chr18-45916026-G-C. GRCh37 (hg19) VCF-style: chr18-43495991-G-C.
Other names: short protein forms L1189V.
Identifiers: ClinVar variation 1391473 (VCV001391473.8), dbSNP rs781321117, ClinGen allele CA8949143.